The following is an entry in ClinVar:

NM_173551.5(ANKS6):c.1391A>G (p.Asn464Ser)

Gene: ANKS6 (ankyrin repeat and sterile alpha motif domain containing 6; minus strand). Cytogenetic location: 9q22.33.
Variant type: single nucleotide variant.
Coding change: c.1391A>G on transcript NM_173551.5 (MANE Select); coding-DNA position 1391, A replaced by G.
Protein change: p.Asn464Ser; replaces asparagine 464 with serine.
Molecular consequence: missense variant.
Genome position (GRCh38, 1-based): chr9:98,778,402, T>C on the plus strand (A>G on the coding strand, the complement: ANKS6 is on the minus strand). VCF-style: chr9-98778402-T-C. GRCh37 (hg19) VCF-style: chr9-101540684-T-C.
Other names: c.1391A>G (NM_173551.3); short protein forms N464S.
Identifiers: ClinVar variation 857507 (VCV000857507.11), dbSNP rs201104087, ClinGen allele CA5153513.

ClinVar aggregate classification (germline): Uncertain significance. Review status: criteria provided, multiple submitters, no conflicts (2 of 4 stars). 4 submissions from 4 submitters: Uncertain significance (4). Last evaluated 2025-05-20.

Conditions:
Nephronophthisis 16 (NPHP16). Identifiers: Orphanet 655, MedGen C3809320, MONDO:0014158, OMIM 615382.

Allele frequency attached by ClinVar (database versions not stated): gnomAD 0.00008 and 0.00013; TOPMed 0.00013; ESP Exome Variant Server 0.00016; ExAC 0.00029; 1000 Genomes Project 0.00040; 1000 Genomes Project 30x 0.00062.
gnomAD v4.1: 207 of 1,613,960 alleles (0.013%); highest among the groups gnomAD compares: East Asian, 0.091%; no homozygotes.

Submissions (4):

GeneDx
Classification: Uncertain significance. Last evaluated: 2025-05-20. Review status: criteria provided, single submitter. Criteria: GeneDx Variant Classification Process June 2021. Collection method: clinical testing. Allele origin: germline. Affected: yes.
Comment: In silico analysis supports that this missense variant has a deleterious effect on protein structure/function; Has not been previously published as pathogenic or benign to our knowledge

Blueprint Genetics
Classification: Uncertain significance. Last evaluated: 2024-08-29. Review status: criteria provided, single submitter. Criteria: ACMG Guidelines, 2015. Collection method: clinical testing. Allele origin: germline.

Labcorp Genetics (formerly Invitae), Labcorp
Classification: Uncertain significance for Nephronophthisis 16. Last evaluated: 2023-10-27. Review status: criteria provided, single submitter. Criteria: Invitae Variant Classification Sherloc (09022015). Collection method: clinical testing. Allele origin: germline.
Comment: This sequence change replaces asparagine, which is neutral and polar, with serine, which is neutral and polar, at codon 464 of the ANKS6 protein (p.Asn464Ser). This variant is present in population databases (rs201104087, gnomAD 0.1%). This variant has not been reported in the literature in individuals affected with ANKS6-related conditions. ClinVar contains an entry for this variant (Variation ID: 857507). An algorithm developed to predict the effect of missense changes on protein structure and function (PolyPhen-2) suggests that this variant is likely to be disruptive. In summary, the available evidence is currently insufficient to determine the role of this variant in disease. Therefore, it has been classified as a Variant of Uncertain Significance.

Fulgent Genetics
Classification: Uncertain significance for Nephronophthisis 16. Last evaluated: 2022-04-04. Review status: criteria provided, single submitter. Criteria: ACMG Guidelines, 2015. Collection method: clinical testing. Allele origin: unknown.